The following is an entry in ClinVar:

ClinVar aggregate classification (germline): Uncertain significance (1 of 4 stars; one submission).

Conditions:
HTR2C-related disorder. Also called: HTR2C-related condition.

Allele frequency attached by ClinVar (database versions not stated): ExAC 0.00002; gnomAD exomes 0.00002; TOPMed 0.00002; gnomAD 0.00003.
gnomAD v4.1: 19 of 1,112,246 alleles (0.0017%); highest among the groups gnomAD compares: Non-Finnish European, 0.002%; no homozygotes.

Submission:

PreventionGenetics, part of Exact Sciences
Classification: Uncertain significance for HTR2C-related condition. Last evaluated: 2025-10-07. Review status: criteria provided, single submitter. Criteria: ACMG Guidelines, 2015. Collection method: clinical testing. Allele origin: germline.
Comment: The HTR2C c.24G>A variant is not predicted to result in an amino acid change (p.=). This variant is predicted to introduce a weak cryptic splice site within exon 3 based on available splicing prediction programs (SpliceAI, Jaganathan et al. 2019. PubMed ID: 30661751). However, the use of computer prediction programs is not equivalent to functional evidence. To our knowledge, this variant has not been reported in the literature. This variant is reported in 0.0058% of alleles in individuals of European (Non-Finnish) descent in gnomAD. At this time, the clinical significance of this variant is uncertain due to the absence of conclusive functional and genetic evidence.

NM_000868.4(HTR2C):c.24G>A (p.Val8=)

Gene: HTR2C (5-hydroxytryptamine receptor 2C; plus strand). Cytogenetic location: Xq23.
Variant type: single nucleotide variant.
Coding change: c.24G>A on transcript NM_000868.4 (MANE Select); coding-DNA position 24, G replaced by A.
Protein change: p.Val8=; no amino-acid change (valine 8 retained).
Molecular consequence: synonymous variant.
Genome position (GRCh38, 1-based): chrX:114,726,960, G>A. VCF-style: chrX-114726960-G-A. GRCh37 (hg19) VCF-style: chrX-113961369-G-A.
Other names: c.24G>A, p.Val8= (NM_001256760.3, NM_001256761.3).
Identifiers: ClinVar variation 2629365 (VCV002629365.2), dbSNP rs782363497, ClinGen allele CA10495351.